The following is an entry in ClinVar:

ClinVar aggregate classification (germline): Uncertain significance (1 of 4 stars; one submission).

Conditions:
Inborn genetic diseases. Identifiers: MedGen C0950123, MeSH D030342.

Submission:

Ambry Genetics
Classification: Uncertain significance for Inborn genetic diseases. Last evaluated: 2025-05-06. Review status: criteria provided, single submitter. Criteria: Ambry Variant Classification Scheme 2023. Collection method: clinical testing. Allele origin: germline.
Comment: The p.V318A variant (also known as c.953T>C), located in coding exon 10 of the DDX41 gene, results from a T to C substitution at nucleotide position 953. The valine at codon 318 is replaced by alanine, an amino acid with similar properties. This amino acid position is conserved. In addition, the in silico prediction for this alteration is inconclusive. Based on the available evidence, the clinical significance of this variant remains unclear.

NM_016222.4(DDX41):c.953T>C (p.Val318Ala)

Gene: DDX41 (DEAD-box helicase 41; minus strand). Cytogenetic location: 5q35.3.
Variant type: single nucleotide variant.
Coding change: c.953T>C on transcript NM_016222.4 (MANE Select); coding-DNA position 953, T replaced by C.
Protein change: p.Val318Ala; replaces valine 318 with alanine.
Molecular consequence: missense variant.
Genome position (GRCh38, 1-based): chr5:177,513,830, A>G on the plus strand (T>C on the coding strand, the complement: DDX41 is on the minus strand). VCF-style: chr5-177513830-A-G. GRCh37 (hg19) VCF-style: chr5-176940831-A-G.
Other names: c.575T>C, p.Val192Ala (NM_001321732.2, NM_001321830.2); short protein forms V318A, V192A.
Identifiers: ClinVar variation 4010347 (VCV004010347.1).